The following is an entry in ClinVar:

ClinVar aggregate classification (germline): Pathogenic. Review status: no assertion criteria provided (0 of 4 stars). 2 submissions from 2 submitters: Pathogenic (1). 1 of the submissions does not count toward it. Last evaluated 2000-08-01.

Conditions:
Pituitary hormone deficiency, combined, 2. Also called: PITUITARY DWARFISM III; ATELIOTIC DWARFISM WITH HYPOGONADISM; HANHART DWARFISM; PROP1-Related Combined Pituitary Hormone Deficiency. Identifiers: MedGen C0878683, MONDO:0009878, OMIM 262600.

Submissions (2):

OMIM
Classification: Pathogenic for PITUITARY HORMONE DEFICIENCY, COMBINED, 2. Last evaluated: 2000-08-01. Review status: no assertion criteria provided. Collection method: literature only. Allele origin: germline.

GeneReviews
No classification provided. Condition: Pituitary hormone deficiency, combined, 2. Review status: no classification provided. Collection method: literature only. Allele origin: germline. Not counted in ClinVar's aggregate classification.
Comment: There are reports of spontaneous puberty with decline of gonadotropic function in individuals with PROP1 variants p.Arg120Cys, p.Phe88Ser, and c.150delA [Flück et al 1998].

Literature cited by the submitters: PubMed 10946881 (cited by OMIM and GeneReviews); PubMed 9768691 (cited by GeneReviews); NCBI Bookshelf NBK1347 (cited by GeneReviews).

NM_006261.5(PROP1):c.263T>C (p.Phe88Ser)

Gene: PROP1 (PROP paired-like homeobox 1; minus strand). Cytogenetic location: 5q35.3.
Variant type: single nucleotide variant.
Coding change: c.263T>C on transcript NM_006261.5 (MANE Select); coding-DNA position 263, T replaced by C.
Protein change: p.Phe88Ser; replaces phenylalanine 88 with serine.
Molecular consequence: missense variant.
Genome position (GRCh38, 1-based): chr5:177,994,185, A>G on the plus strand (T>C on the coding strand, the complement: PROP1 is on the minus strand). VCF-style: chr5-177994185-A-G. GRCh37 (hg19) VCF-style: chr5-177421186-A-G.
Other names: short protein forms F88S.
Identifiers: ClinVar variation 8100 (VCV000008100.4), dbSNP rs121917841, ClinGen allele CA340727.